The following is an entry in ClinVar:

ClinVar aggregate classification (germline): Uncertain significance (1 of 4 stars; one submission).

Conditions:
Congenital muscular dystrophy due to integrin alpha-7 deficiency. Also called: MYOPATHY, CONGENITAL, DUE TO INTEGRIN ALPHA-7 DEFICIENCY; Congenital muscular dystrophy with integrin alpha-7 deficiency; Muscular dystrophy, congenital, due to ITGA7 deficiency. Identifiers: Orphanet 34520, MedGen C2750786, MONDO:0013177, OMIM 613204.

Allele frequency attached by ClinVar (database versions not stated): gnomAD exomes below 0.00001; TOPMed 0.00001.
gnomAD v4.1: 7 of 1,593,174 alleles (0.00044%); highest among the groups gnomAD compares: Non-Finnish European, 0.00043%; no homozygotes.

Submission:

Labcorp Genetics (formerly Invitae), Labcorp
Classification: Uncertain significance for Congenital muscular dystrophy due to integrin alpha-7 deficiency. Last evaluated: 2022-08-09. Review status: criteria provided, single submitter. Criteria: Invitae Variant Classification Sherloc (09022015). Collection method: clinical testing. Allele origin: germline.
Comment: This sequence change replaces arginine, which is basic and polar, with glutamine, which is neutral and polar, at codon 603 of the ITGA7 protein (p.Arg603Gln). The frequency data for this variant in the population databases is considered unreliable, as metrics indicate poor data quality at this position in the gnomAD database. This variant has not been reported in the literature in individuals affected with ITGA7-related conditions. Algorithms developed to predict the effect of missense changes on protein structure and function output the following: SIFT: "Tolerated"; PolyPhen-2: "Benign"; Align-GVGD: "Class C0". The glutamine amino acid residue is found in multiple mammalian species, which suggests that this missense change does not adversely affect protein function. In summary, the available evidence is currently insufficient to determine the role of this variant in disease. Therefore, it has been classified as a Variant of Uncertain Significance.

NM_002206.3(ITGA7):c.1808G>A (p.Arg603Gln)

Gene: ITGA7 (integrin subunit alpha 7; minus strand). Cytogenetic location: 12q13.2.
Variant type: single nucleotide variant.
Coding change: c.1808G>A on transcript NM_002206.3 (MANE Select); coding-DNA position 1808, G replaced by A.
Protein change: p.Arg603Gln; replaces arginine 603 with glutamine.
Molecular consequence: missense variant.
Genome position (GRCh38, 1-based): chr12:55,696,362, C>T on the plus strand (G>A on the coding strand, the complement: ITGA7 is on the minus strand). VCF-style: chr12-55696362-C-T. GRCh37 (hg19) VCF-style: chr12-56090146-C-T.
Other names: c.1820G>A, p.Arg607Gln (NM_001144996.2); c.1529G>A, p.Arg510Gln (NM_001144997.2); c.1481G>A, p.Arg494Gln (NM_001367993.1); c.464G>A, p.Arg155Gln (NM_001367994.1); c.1790G>A, p.Arg597Gln (NM_001374465.1); c.1940G>A, p.Arg647Gln (NM_001410977.1); c.1802G>A, p.Arg601Gln (NM_001414029.1); c.1733G>A, p.Arg578Gln (NM_001414030.1); and 5 more; short protein forms R155Q, R494Q, R603Q, R490Q, R563Q, R574Q, R578Q, R607Q.
Identifiers: ClinVar variation 2086275 (VCV002086275.3), dbSNP rs757556025, ClinGen allele CA6615826.